The following is an entry in ClinVar:

NM_006662.3(SRCAP):c.8893C>T (p.Arg2965Trp)

Gene: SRCAP (Snf2 related CREBBP activator protein; plus strand). Cytogenetic location: 16p11.2.
Variant type: single nucleotide variant.
Coding change: c.8893C>T on transcript NM_006662.3 (MANE Select); coding-DNA position 8893, C replaced by T.
Protein change: p.Arg2965Trp; replaces arginine 2965 with tryptophan.
Molecular consequence: missense variant.
Genome position (GRCh38, 1-based): chr16:30,738,933, C>T. VCF-style: chr16-30738933-C-T. GRCh37 (hg19) VCF-style: chr16-30750254-C-T.
Other names: short protein forms R2965W.
Identifiers: ClinVar variation 708332 (VCV000708332.19), dbSNP rs141497857, ClinGen allele CA8012781.

ClinVar aggregate classification (germline): Benign/Likely benign. Review status: criteria provided, multiple submitters, no conflicts (2 of 4 stars). 5 submissions from 5 submitters: Benign (2); Likely benign (3). Last evaluated 2026-03-01.

Conditions:
Floating-Harbor syndrome (FLHS). Also called: Short stature with delayed bone age, expressive language delay, a triangular face with a prominent nose and deep-set eyes; Pelletier-Leisti syndrome; SRCAP-Related Floating-Harbor Syndrome. Identifiers: Orphanet 2044, MedGen C0729582, MONDO:0007621, OMIM 136140.
Developmental delay, hypotonia, musculoskeletal defects, and behavioral abnormalities. Identifiers: MedGen C5562012, MONDO:0859202, OMIM 619595.

Allele frequency attached by ClinVar (database versions not stated): ESP Exome Variant Server 0.00023; gnomAD 0.00029 and 0.00030; gnomAD exomes 0.00030; 1000 Genomes Project 30x 0.00031; 1000 Genomes Project 0.00040; TOPMed 0.00071.
gnomAD v4.1: 481 of 1,614,026 alleles (0.03%); highest among the groups gnomAD compares: Admixed American, 0.69%; 1 homozygote.

Submissions (5):

CeGaT Center for Human Genetics Tuebingen
Classification: Likely benign. Last evaluated: 2026-03-01. Review status: criteria provided, single submitter. Criteria: CeGaT Center For Human Genetics Tuebingen Variant Classification Criteria Version 2. Collection method: clinical testing. Allele origin: germline. Affected: yes. Observed: 2 variant alleles.
Comment: SRCAP: BS1

Labcorp Genetics (formerly Invitae), Labcorp
Classification: Benign. Last evaluated: 2026-01-28. Review status: criteria provided, single submitter. Criteria: Invitae Variant Classification Sherloc (09022015). Collection method: clinical testing. Allele origin: germline.

Blueprint Genetics
Classification: Likely benign. Last evaluated: 2024-09-13. Review status: criteria provided, single submitter. Criteria: ACMG Guidelines, 2015. Collection method: clinical testing. Allele origin: germline.

Fulgent Genetics
Classification: Likely benign for Floating-Harbor syndrome; Developmental delay, hypotonia, musculoskeletal defects, and behavioral abnormalities. Last evaluated: 2021-09-15. Review status: criteria provided, single submitter. Criteria: ACMG Guidelines, 2015. Collection method: clinical testing. Allele origin: unknown.

Breakthrough Genomics
Classification: Benign. Review status: criteria provided, single submitter. Criteria: ACMG Guidelines, 2015. Collection method: not provided. Allele origin: germline. Inheritance: Autosomal dominant inheritance. Affected: yes.